The following is an entry in ClinVar:

NM_001360016.2(G6PD):c.534G>T (p.Gln178His)

Gene: G6PD (glucose-6-phosphate dehydrogenase; minus strand). Cytogenetic location: Xq28.
Variant type: single nucleotide variant.
Coding change: c.534G>T on transcript NM_001360016.2 (MANE Select); coding-DNA position 534, G replaced by T.
Protein change: p.Gln178His; replaces glutamine 178 with histidine.
Molecular consequence: missense variant.
Genome position (GRCh38, 1-based): chrX:154,534,448, C>A on the plus strand (G>T on the coding strand, the complement: G6PD is on the minus strand). VCF-style: chrX-154534448-C-A. GRCh37 (hg19) VCF-style: chrX-153762663-C-A.
Other names: c.624G>T, p.Gln208His (NM_000402.4); c.534G>T, p.Gln178His (NM_001042351.3); short protein forms Q208H, Q178H.
Identifiers: ClinVar variation 3659461 (VCV003659461.2).

ClinVar aggregate classification (germline): Uncertain significance (1 of 4 stars; one submission).

Conditions:
Anemia, nonspherocytic hemolytic, due to G6PD deficiency (CNSHA1). Also called: Class I glucose-6-phosphate dehydrogenase deficiency; Favism, susceptibility to; Hemolytic anemia due to G6PD deficiency; ANEMIA, CONGENITAL, NONSPHEROCYTIC HEMOLYTIC, 1. Identifiers: Orphanet 466026, MedGen C2720289, MONDO:0010480, OMIM 300908.

Submission:

Labcorp Genetics (formerly Invitae), Labcorp
Classification: Uncertain significance for Anemia, nonspherocytic hemolytic, due to G6PD deficiency. Last evaluated: 2024-07-13. Review status: criteria provided, single submitter. Criteria: Invitae Variant Classification Sherloc (09022015). Collection method: clinical testing. Allele origin: germline.
Comment: This sequence change replaces glutamine, which is neutral and polar, with histidine, which is basic and polar, at codon 178 of the G6PD protein (p.Gln178His). This variant is not present in population databases (gnomAD no frequency). This variant has not been reported in the literature in individuals affected with G6PD-related conditions. Advanced modeling of protein sequence and biophysical properties (such as structural, functional, and spatial information, amino acid conservation, physicochemical variation, residue mobility, and thermodynamic stability) has been performed at Invitae for this missense variant, however the output from this modeling did not meet the statistical confidence thresholds required to predict the impact of this variant on G6PD protein function. In summary, the available evidence is currently insufficient to determine the role of this variant in disease. Therefore, it has been classified as a Variant of Uncertain Significance.